The following is an entry in ClinVar:

NM_006261.5(PROP1):c.174G>A (p.Pro58=)

Gene: PROP1 (PROP paired-like homeobox 1; minus strand). Cytogenetic location: 5q35.3.
Variant type: single nucleotide variant.
Coding change: c.174G>A on transcript NM_006261.5 (MANE Select); coding-DNA position 174, G replaced by A.
Protein change: p.Pro58=; no amino-acid change (proline 58 retained).
Molecular consequence: synonymous variant.
Genome position (GRCh38, 1-based): chr5:177,994,274, C>T on the plus strand (G>A on the coding strand, the complement: PROP1 is on the minus strand). VCF-style: chr5-177994274-C-T. GRCh37 (hg19) VCF-style: chr5-177421275-C-T.
Identifiers: ClinVar variation 36699 (VCV000036699.28), dbSNP rs2233784, ClinGen allele CA214189.

ClinVar aggregate classification (germline): Benign/Likely benign. Review status: criteria provided, multiple submitters, no conflicts (2 of 4 stars). 7 submissions from 7 submitters: Benign (4); Likely benign (2). 1 of the submissions does not count toward it. Last evaluated 2026-02-04.

Conditions:
Pituitary hormone deficiency, combined, 2. Also called: PITUITARY DWARFISM III; PROP1-Related Combined Pituitary Hormone Deficiency; ATELIOTIC DWARFISM WITH HYPOGONADISM; HANHART DWARFISM. Identifiers: MedGen C0878683, MONDO:0009878, OMIM 262600.
Combined pituitary hormone deficiencies, genetic form. Also called: Pituitary hormone deficiency, combined. Identifiers: Orphanet 95494, MedGen C4273747, MONDO:0013099.

Allele frequency attached by ClinVar (database versions not stated): gnomAD exomes 0.00585; ExAC 0.00777; ESP Exome Variant Server 0.02769; gnomAD 0.02188; TOPMed 0.02455; 1000 Genomes Project 0.02496; 1000 Genomes Project 30x 0.02733.
gnomAD v4.1: 6,548 of 1,613,438 alleles (0.41%); highest among the groups gnomAD compares: African/African-American, 7.9%; 264 homozygotes.

Submissions (7):

Labcorp Genetics (formerly Invitae), Labcorp
Classification: Benign. Last evaluated: 2026-02-04. Review status: criteria provided, single submitter. Criteria: Invitae Variant Classification Sherloc (09022015). Collection method: clinical testing. Allele origin: germline.

GeneDx
Classification: Benign. Last evaluated: 2018-08-30. Review status: criteria provided, single submitter. Criteria: GeneDx Variant Classification Process June 2021. Collection method: clinical testing. Allele origin: germline. Affected: yes.

Illumina Laboratory Services, Illumina
Classification: Benign for Pituitary hormone deficiency, combined, 2. Last evaluated: 2018-01-13. Review status: criteria provided, single submitter. Criteria: ICSL Variant Classification Criteria 13 December 2019. Collection method: clinical testing. Allele origin: germline.
Comment: This variant was observed in the ICSL laboratory as part of a predisposition screen in an ostensibly healthy population. It had not been previously curated by ICSL or reported in the Human Gene Mutation Database (HGMD: prior to June 1st, 2018), and was therefore a candidate for classification through an automated scoring system. Utilizing variant allele frequency, disease prevalence and penetrance estimates, and inheritance mode, an automated score was calculated to assess if this variant is too frequent to cause the disease. Based on the score and internal cut-off values, a variant classified as benign is not then subjected to further curation. The score for this variant resulted in a classification of benign for this disease.

Athena Diagnostics
Classification: Benign. Last evaluated: 2017-12-19. Review status: criteria provided, single submitter. Criteria: Athena Diagnostics Criteria. Collection method: clinical testing. Allele origin: germline.

Women's Health and Genetics/Laboratory Corporation of America, LabCorp
Classification: Likely benign for Combined Pituitary Hormone Deficiency. Last evaluated: 2011-08-18. Review status: criteria provided, single submitter. Criteria: LabCorp Variant Classification Summary - May 2015. Collection method: clinical testing. Allele origin: germline. Inheritance: autosomal unknown.
ClinVar note: Converted during submission from likely benign to Likely benign.

Breakthrough Genomics
Classification: Likely benign. Review status: criteria provided, single submitter. Criteria: ACMG Guidelines, 2015. Collection method: not provided. Allele origin: germline. Inheritance: Autosomal recessive inheritance. Affected: yes.

Natera, Inc.
Classification: Benign for Combined pituitary hormone deficiency type 2. Last evaluated: 2019-12-05. Review status: no assertion criteria provided. Collection method: clinical testing. Allele origin: germline. Not counted in ClinVar's aggregate classification.

Literature cited by the submitters: PubMed 18157385 (cited by Athena Diagnostics and Women's Health and Genetics/Laboratory Corporation of America, LabCorp); PubMed 15963055 (cited by Women's Health and Genetics/Laboratory Corporation of America, LabCorp).